The following is an entry in ClinVar:

ClinVar aggregate classification (germline): Pathogenic (1 of 4 stars; one submission).

Submission:

Labcorp Genetics (formerly Invitae), Labcorp
Classification: Pathogenic. Last evaluated: 2023-01-06. Review status: criteria provided, single submitter. Criteria: Invitae Variant Classification Sherloc (09022015). Collection method: clinical testing. Allele origin: germline.
Comment: For these reasons, this variant has been classified as Pathogenic. This variant has not been reported in the literature in individuals affected with WFS1-related conditions. This variant is a gross deletion of the genomic region encompassing exon(s) 2 of the WFS1 gene, which includes the initiator codon. This deletion extends beyond the assayed region for this gene and therefore may encompass additional genes. It is expected to result in an absent or disrupted protein product. Loss-of-function variants in WFS1 are known to be pathogenic (PMID: 12955714).

Literature cited by the submitters: PubMed 12955714.

NC_000004.11:g.(?_6279183)_(6279434_?)del

Gene: WFS1 (wolframin ER transmembrane glycoprotein; plus strand). Cytogenetic location: 4p16.1.
Variant type: Deletion.
Identifiers: ClinVar variation 2425456 (VCV002425456.4).